The following is an entry in ClinVar:

NM_000760.4(CSF3R):c.296_299del (p.Leu99fs)

Gene: CSF3R (colony stimulating factor 3 receptor; minus strand). Cytogenetic location: 1p34.3.
Variant type: Microsatellite.
Coding change: c.296_299del on transcript NM_000760.4 (MANE Select); coding-DNA positions 296 to 299, 4 bases deleted (TCTC; older notation c.296_299delTCTC).
Protein change: p.Leu99fs; shifts the reading frame from leucine 99.
Molecular consequence: frameshift variant.
Genome position (GRCh38, 1-based): chr1:36,475,439-36,475,442, GAGA deleted on the plus strand (TCTC on the coding strand, the reverse complement: CSF3R is on the minus strand); deleting any 4 consecutive bases within chr1:36,475,439-36,475,444 gives the same sequence; the c. name uses the placement nearest the transcript's 3' end. VCF-style (leftmost placement, unchanged base first): chr1-36475438-GGAGA-G. GRCh37 (hg19) VCF-style: chr1-36941039-GGAGA-G.
Other names: c.296_299del, p.Leu99fs (NM_156039.3, NM_172313.3); short protein forms L99fs.
Identifiers: ClinVar variation 3004498 (VCV003004498.3), dbSNP rs2521827233, ClinGen allele CA2644901015.

ClinVar aggregate classification (germline): Pathogenic (1 of 4 stars; one submission).

Conditions:
Autosomal recessive severe congenital neutropenia due to CSF3R deficiency. Also called: Neutropenia, severe congenital, 7, autosomal recessive. Identifiers: Orphanet 420702, MedGen C4310764, MONDO:0014865, OMIM 617014.

Submission:

Labcorp Genetics (formerly Invitae), Labcorp
Classification: Pathogenic for Autosomal recessive severe congenital neutropenia due to CSF3R deficiency. Last evaluated: 2023-10-05. Review status: criteria provided, single submitter. Criteria: Invitae Variant Classification Sherloc (09022015). Collection method: clinical testing. Allele origin: germline.
Comment: This sequence change creates a premature translational stop signal (p.Leu99Profs*4) in the CSF3R gene. It is expected to result in an absent or disrupted protein product. Loss-of-function variants in CSF3R are known to be pathogenic (PMID: 24753537, 26324699). This variant is not present in population databases (gnomAD no frequency). This variant has not been reported in the literature in individuals affected with CSF3R-related conditions. Algorithms developed to predict the effect of sequence changes on RNA splicing suggest that this variant may disrupt the consensus splice site. For these reasons, this variant has been classified as Pathogenic.

Literature cited by the submitters: PubMed 24753537; PubMed 26324699.